The following is an entry in ClinVar:

NM_001458.5(FLNC):c.6437C>T (p.Ser2146Phe)

Genes: FLNC-AS1 (FLNC antisense RNA 1; minus strand), FLNC (filamin C; plus strand). Cytogenetic location: 7q32.1.
Variant type: single nucleotide variant.
Coding change: c.6437C>T on transcript NM_001458.5 (MANE Select); coding-DNA position 6437, C replaced by T.
Protein change: p.Ser2146Phe; replaces serine 2146 with phenylalanine.
Molecular consequence: missense variant.
Genome position (GRCh38, 1-based): chr7:128,853,790, C>T. VCF-style: chr7-128853790-C-T. GRCh37 (hg19) VCF-style: chr7-128493844-C-T.
Other names: c.6338C>T, p.Ser2113Phe (NM_001127487.2); short protein forms S2113F, S2146F.
Identifiers: ClinVar variation 4812797 (VCV004812797.1).

ClinVar aggregate classification (germline): Uncertain significance (1 of 4 stars; one submission).

Conditions:
Hypertrophic cardiomyopathy 26. Also called: Cardiomyopathy, familial hypertrophic, 26. Identifiers: Orphanet 75249, MedGen C4310749, MONDO:0014883, OMIM 617047.
Myofibrillar myopathy 5. Also called: Filaminopathy (type); FILAMINOPATHY, AUTOSOMAL DOMINANT. Identifiers: Orphanet 171445, MedGen C1836050, MONDO:0012289, OMIM 609524.
Distal myopathy with posterior leg and anterior hand involvement. Also called: WILLIAMS DISTAL MYOPATHY. Identifiers: Orphanet 63273, MedGen C3279722, MONDO:0013550, OMIM 614065.

Submission:

Labcorp Genetics (formerly Invitae), Labcorp
Classification: Uncertain significance for Distal myopathy with posterior leg and anterior hand involvement; Myofibrillar myopathy 5; Hypertrophic cardiomyopathy 26. Last evaluated: 2025-10-15. Review status: criteria provided, single submitter. Criteria: Invitae Variant Classification Sherloc (09022015). Collection method: clinical testing. Allele origin: germline.
Comment: This sequence change replaces serine, which is neutral and polar, with phenylalanine, which is neutral and non-polar, at codon 2146 of the FLNC protein (p.Ser2146Phe). This variant is not present in population databases (gnomAD no frequency). This variant has not been reported in the literature in individuals affected with FLNC-related conditions. Invitae Evidence Modeling of protein sequence and biophysical properties (such as structural, functional, and spatial information, amino acid conservation, physicochemical variation, residue mobility, and thermodynamic stability) has been performed for this missense variant. However, the output from this modeling did not meet the statistical confidence thresholds required to predict the impact of this variant on FLNC protein function. In summary, the available evidence is currently insufficient to determine the role of this variant in disease. Therefore, it has been classified as a Variant of Uncertain Significance.